The following is an entry in ClinVar:

NM_001710.6(CFB):c.716C>A (p.Thr239Lys)

Gene: CFB (complement factor B; plus strand). Cytogenetic location: 6p21.33.
Variant type: single nucleotide variant.
Coding change: c.716C>A on transcript NM_001710.6 (MANE Select); coding-DNA position 716, C replaced by A.
Protein change: p.Thr239Lys; replaces threonine 239 with lysine.
Molecular consequence: missense variant.
Genome position (GRCh38, 1-based): chr6:31,947,799, C>A. VCF-style: chr6-31947799-C-A. GRCh37 (hg19) VCF-style: chr6-31915576-C-A.
Other names: short protein forms T239K.
Identifiers: ClinVar variation 1720005 (VCV001720005.5), dbSNP rs1463159693, ClinGen allele CA363394836.

ClinVar aggregate classification (germline): Uncertain significance (1 of 4 stars; one submission).

Allele frequency attached by ClinVar (database versions not stated): gnomAD exomes below 0.00001.
gnomAD v4.1: 1 of 1,613,560 alleles (0.000062%); highest among the groups gnomAD compares: Non-Finnish European, 0.000085%; no homozygotes.

Submission:

Labcorp Genetics (formerly Invitae), Labcorp
Classification: Uncertain significance. Last evaluated: 2022-09-21. Review status: criteria provided, single submitter. Criteria: Invitae Variant Classification Sherloc (09022015). Collection method: clinical testing. Allele origin: germline.
Comment: Advanced modeling of protein sequence and biophysical properties (such as structural, functional, and spatial information, amino acid conservation, physicochemical variation, residue mobility, and thermodynamic stability) performed at Invitae indicates that this missense variant is not expected to disrupt CFB protein function. This sequence change replaces threonine, which is neutral and polar, with lysine, which is basic and polar, at codon 239 of the CFB protein (p.Thr239Lys). This variant is not present in population databases (gnomAD no frequency). This variant has not been reported in the literature in individuals affected with CFB-related conditions. Algorithms developed to predict the effect of sequence changes on RNA splicing suggest that this variant may disrupt the consensus splice site. In summary, the available evidence is currently insufficient to determine the role of this variant in disease. Therefore, it has been classified as a Variant of Uncertain Significance.